The following is an entry in ClinVar:

ClinVar aggregate classification (germline): Uncertain significance (1 of 4 stars; one submission).

Conditions:
Norman-Roberts syndrome (LIS2). Also called: Lissencephaly 2 (Norman-Roberts type). Identifiers: Orphanet 89844, MedGen C0796089, MONDO:0009760, OMIM 257320.
Familial temporal lobe epilepsy 7. Identifiers: Orphanet 101046, MedGen C4225327, MONDO:0014639, OMIM 616436.

Allele frequency attached by ClinVar (database versions not stated): gnomAD exomes below 0.00001.

Submission:

Labcorp Genetics (formerly Invitae), Labcorp
Classification: Uncertain significance for Familial temporal lobe epilepsy 7; Norman-Roberts syndrome. Last evaluated: 2022-03-10. Review status: criteria provided, single submitter. Criteria: Invitae Variant Classification Sherloc (09022015). Collection method: clinical testing. Allele origin: germline.
Comment: In summary, the available evidence is currently insufficient to determine the role of this variant in disease. Therefore, it has been classified as a Variant of Uncertain Significance. Algorithms developed to predict the effect of missense changes on protein structure and function (SIFT, PolyPhen-2, Align-GVGD) all suggest that this variant is likely to be tolerated. This variant has not been reported in the literature in individuals affected with RELN-related conditions. This variant is not present in population databases (gnomAD no frequency). This sequence change replaces methionine, which is neutral and non-polar, with isoleucine, which is neutral and non-polar, at codon 1329 of the RELN protein (p.Met1329Ile).

NM_005045.4(RELN):c.3987G>A (p.Met1329Ile)

Gene: RELN (reelin; minus strand). Cytogenetic location: 7q22.1.
Variant type: single nucleotide variant.
Coding change: c.3987G>A on transcript NM_005045.4 (MANE Select); coding-DNA position 3987, G replaced by A.
Protein change: p.Met1329Ile; replaces methionine 1329 with isoleucine.
Molecular consequence: missense variant.
Genome position (GRCh38, 1-based): chr7:103,589,754, C>T on the plus strand (G>A on the coding strand, the complement: RELN is on the minus strand). VCF-style: chr7-103589754-C-T. GRCh37 (hg19) VCF-style: chr7-103230201-C-T.
Other names: c.3987G>A, p.Met1329Ile (NM_173054.3); short protein forms M1329I.
Identifiers: ClinVar variation 1911199 (VCV001911199.5), dbSNP rs1562908501, ClinGen allele CA368756257.